The following is an entry in ClinVar:

NM_001379500.1(COL18A1):c.3022G>A (p.Val1008Ile)

Genes: SLC19A1 (solute carrier family 19 member 1; minus strand), COL18A1 (collagen type XVIII alpha 1 chain; plus strand). Cytogenetic location: 21q22.3.
Variant type: single nucleotide variant.
Coding change: c.3022G>A on transcript NM_001379500.1 (MANE Select); coding-DNA position 3022, G replaced by A.
Protein change: p.Val1008Ile; replaces valine 1008 with isoleucine.
Molecular consequence: missense variant.
Genome position (GRCh38, 1-based): chr21:45,505,366, G>A. VCF-style: chr21-45505366-G-A. GRCh37 (hg19) VCF-style: chr21-46925280-G-A.
Other names: NM_130445.3:c.3013G>A; c.3553G>A, p.Val1185Ile (NM_030582.4); c.4258G>A, p.Val1420Ile (NM_130444.3); c.3553G>A (NM_030582.3); short protein forms V1420I, V1185I, V1008I.
Identifiers: ClinVar variation 771053 (VCV000771053.20), dbSNP rs201381498, ClinGen allele CA10067641.

ClinVar aggregate classification (germline): Conflicting classifications of pathogenicity. Review status: criteria provided, conflicting classifications (1 of 4 stars). 4 submissions from 4 submitters: Uncertain significance (1); Likely benign (2). 1 of the submissions does not count toward it. Last evaluated 2026-02-02.

Conditions:
COL18A1-related disorder. Also called: COL18A1-related disorders; COL18A1-related condition.

Allele frequency attached by ClinVar (database versions not stated): gnomAD exomes 0.00039 and 0.00083; ExAC 0.00074; ESP Exome Variant Server 0.00110; 1000 Genomes Project 0.00120; gnomAD 0.00147 and 0.00156; 1000 Genomes Project 30x 0.00156; TOPMed 0.00176.
gnomAD v4.1: 815 of 1,594,236 alleles (0.051%); highest among the groups gnomAD compares: African/African-American, 0.38%; 1 homozygote.

Submissions (4):

Labcorp Genetics (formerly Invitae), Labcorp
Classification: Likely benign. Last evaluated: 2026-02-02. Review status: criteria provided, single submitter. Criteria: Invitae Variant Classification Sherloc (09022015). Collection method: clinical testing. Allele origin: germline.

CeGaT Center for Human Genetics Tuebingen
Classification: Uncertain significance. Last evaluated: 2025-07-01. Review status: criteria provided, single submitter. Criteria: CeGaT Center For Human Genetics Tuebingen Variant Classification Criteria Version 2. Collection method: clinical testing. Allele origin: germline. Affected: yes. Observed: 1 variant allele.

Blueprint Genetics
Classification: Likely benign. Last evaluated: 2024-09-06. Review status: criteria provided, single submitter. Criteria: ACMG Guidelines, 2015. Collection method: clinical testing. Allele origin: germline.

PreventionGenetics, part of Exact Sciences
Classification: Likely benign for COL18A1-related condition. Last evaluated: 2022-07-09. Review status: no assertion criteria provided. Collection method: clinical testing. Allele origin: germline. Not counted in ClinVar's aggregate classification.
Comment: This variant is classified as likely benign based on ACMG/AMP sequence variant interpretation guidelines (Richards et al. 2015 PMID: 25741868, with internal and published modifications).